The following is an entry in ClinVar:

ClinVar aggregate classification (germline): Likely pathogenic (1 of 4 stars; one submission).

Conditions:
Intellectual developmental disorder with autism and macrocephaly. Also called: CHD8-Related Neurodevelopmental Disorder with Overgrowth; Autism, susceptibility to, 18. Identifiers: Orphanet 642675, MedGen C3554373, MONDO:0014017, OMIM 615032.

Submission:

Juno Genomics, Hangzhou Juno Genomics, Inc
Classification: Likely pathogenic for Intellectual developmental disorder with autism and macrocephaly. Review status: criteria provided, single submitter. Criteria: ACMG Guidelines, 2015. Collection method: clinical testing. Allele origin: germline.
Comment: Null variant in a gene where loss of function (LOF) is a known mechanism of disease.;Absent from controls (or at extremely low frequency if recessive) in Genome Aggregation Database.

NM_001170629.2(CHD8):c.5516_5519del (p.Thr1839fs)

Gene: CHD8 (chromodomain helicase DNA binding protein 8; minus strand). Cytogenetic location: 14q11.2.
Variant type: Deletion.
Coding change: c.5516_5519del on transcript NM_001170629.2 (MANE Select); coding-DNA positions 5516 to 5519, 4 bases deleted (CAGA; older notation c.5516_5519delCAGA).
Protein change: p.Thr1839fs; shifts the reading frame from threonine 1839.
Molecular consequence: frameshift variant.
Genome position (GRCh38, 1-based): chr14:21,394,357-21,394,360, TCTG deleted on the plus strand (CAGA on the coding strand, the reverse complement: CHD8 is on the minus strand); deleting any 4 consecutive bases within chr14:21,394,357-21,394,363 gives the same sequence; the c. name uses the placement nearest the transcript's 3' end. VCF-style (leftmost placement, unchanged base first): chr14-21394356-ATCTG-A. GRCh37 (hg19) VCF-style: chr14-21862515-ATCTG-A.
Other names: c.4679_4682del, p.Thr1560fs (NM_020920.4); short protein forms T1560fs, T1839fs.
Identifiers: ClinVar variation 5005295 (VCV005005295.2).